The following is an entry in ClinVar:

ClinVar aggregate classification (germline): Likely pathogenic. Review status: criteria provided, single submitter (1 of 4 stars). 3 submissions from 3 submitters: Likely pathogenic (1). 2 of the submissions do not count toward it. Last evaluated 2019-08-09.

Conditions:
Abnormal circulating lactate dehydrogenase concentration. Also called: Abnormal lactate dehydrogenase activity. Identifiers: MedGen C4073168, HP:0045040.
Lactic aciduria due to D-lactic acid. Identifiers: MedGen C5193006, MONDO:0009505, OMIM 245450.

Submissions (3):

SIB Swiss Institute of Bioinformatics
Classification: Likely pathogenic for Lactic aciduria due to D-lactic acid. Last evaluated: 2019-08-09. Review status: criteria provided, single submitter. Criteria: ACMG Guidelines, 2015. Collection method: curation. Allele origin: unknown.
Comment: This variant is interpreted as a Likely pathogenic for D-lactic aciduria, autosomal recessive. The following ACMG Tag(s) were applied: PM2, PP3, PS3.

OMIM
Classification: Pathogenic for D-LACTIC ACIDURIA. Last evaluated: 2025-09-26. Review status: no assertion criteria provided. Collection method: literature only. Allele origin: germline. Not counted in ClinVar's aggregate classification.

van Haaften laboratory, University Medical Center Utrecht
Classification: Uncertain significance for Abnormal circulating lactate dehydrogenase concentration. Review status: no assertion criteria provided. Collection method: research. Allele origin: inherited. Affected: yes. Observed: 1 homozygote. Not counted in ClinVar's aggregate classification.

Literature cited by the submitters: PubMed 30931947 (cited by SIB Swiss Institute of Bioinformatics and OMIM).

NM_194436.3(LDHD):c.1053G>T (p.Trp351Cys)

Gene: LDHD (lactate dehydrogenase D; minus strand). Cytogenetic location: 16q23.1.
Variant type: single nucleotide variant.
Coding change: c.1053G>T on transcript NM_194436.3 (MANE Select); coding-DNA position 1053, G replaced by T.
Protein change: p.Trp351Cys; replaces tryptophan 351 with cysteine.
Molecular consequence: missense variant.
Genome position (GRCh38, 1-based): chr16:75,113,568, C>A on the plus strand (G>T on the coding strand, the complement: LDHD is on the minus strand). VCF-style: chr16-75113568-C-A. GRCh37 (hg19) VCF-style: chr16-75147466-C-A.
Other names: W376C; c.1122G>T, p.Trp374Cys (NM_153486.4); short protein forms W374C, W351C.
Identifiers: ClinVar variation 586968 (VCV000586968.9), dbSNP rs1567502487, ClinGen allele CA396774793.